The following is an entry in ClinVar:

NM_001046.3(SLC12A2):c.2512G>A (p.Asp838Asn)

Gene: SLC12A2 (solute carrier family 12 member 2; plus strand). Cytogenetic location: 5q23.3.
Variant type: single nucleotide variant.
Coding change: c.2512G>A on transcript NM_001046.3 (MANE Select); coding-DNA position 2512, G replaced by A.
Protein change: p.Asp838Asn; replaces aspartic acid 838 with asparagine.
Molecular consequence: missense variant. On other transcripts: non-coding transcript variant (1).
Genome position (GRCh38, 1-based): chr5:128,161,696, G>A. VCF-style: chr5-128161696-G-A. GRCh37 (hg19) VCF-style: chr5-127497388-G-A.
Other names: c.2512G>A, p.Asp838Asn (NM_001256461.2); short protein forms D838N.
Identifiers: ClinVar variation 1362221 (VCV001362221.6), dbSNP rs746611648, ClinGen allele CA3393385.
Genomic context (GRCh38, chr5:128,161,696, plus strand): 5'-TATTATTAATATTTTTATTCAAAGGGTCCTCGAAGACAAGCCATGAAAGAGATGTCCATC[G>A]ATCAAGCCAAATATCAGCGATGGCTTATTAAGAACAAAATGAAGGCATTTTATGCTCCAG-3'
Protein context (NP_001037.1, residues 828-848): RRQAMKEMSI[Asp838Asn]QAKYQRWLIK

ClinVar aggregate classification (germline): Uncertain significance (1 of 4 stars; one submission).

Allele frequency attached by ClinVar (database versions not stated): gnomAD exomes 0.00001; ExAC 0.00004.
gnomAD v4.1: 29 of 1,495,140 alleles (0.0019%); highest among the groups gnomAD compares: Non-Finnish European, 0.0026%; no homozygotes.

Submission:

Labcorp Genetics (formerly Invitae), Labcorp
Classification: Uncertain significance. Last evaluated: 2023-04-30. Review status: criteria provided, single submitter. Criteria: Invitae Variant Classification Sherloc (09022015). Collection method: clinical testing. Allele origin: germline.
Comment: The frequency data for this variant in the population databases is considered unreliable, as metrics indicate poor data quality at this position in the gnomAD database. This sequence change replaces aspartic acid, which is acidic and polar, with asparagine, which is neutral and polar, at codon 838 of the SLC12A2 protein (p.Asp838Asn). This variant has not been reported in the literature in individuals affected with SLC12A2-related conditions. In summary, the available evidence is currently insufficient to determine the role of this variant in disease. Therefore, it has been classified as a Variant of Uncertain Significance. Advanced modeling of protein sequence and biophysical properties (such as structural, functional, and spatial information, amino acid conservation, physicochemical variation, residue mobility, and thermodynamic stability) performed at Invitae indicates that this missense variant is not expected to disrupt SLC12A2 protein function. ClinVar contains an entry for this variant (Variation ID: 1362221).